The following is an entry in ClinVar:

NM_001291303.3(FAT4):c.10852A>G (p.Thr3618Ala)

Gene: FAT4 (FAT atypical cadherin 4; plus strand). Cytogenetic location: 4q28.1.
Variant type: single nucleotide variant.
Coding change: c.10852A>G on transcript NM_001291303.3 (MANE Select); coding-DNA position 10852, A replaced by G.
Protein change: p.Thr3618Ala; replaces threonine 3618 with alanine.
Molecular consequence: missense variant.
Genome position (GRCh38, 1-based): chr4:125,451,862, A>G. VCF-style: chr4-125451862-A-G. GRCh37 (hg19) VCF-style: chr4-126373017-A-G.
Other names: c.10852A>G, p.Thr3618Ala (NM_001291285.3); c.10846A>G, p.Thr3616Ala (NM_024582.6); short protein forms T3616A, T3618A.
Identifiers: ClinVar variation 1215497 (VCV001215497.3), dbSNP rs1726090881, ClinGen allele CA358159875.

ClinVar aggregate classification (germline): Uncertain significance (1 of 4 stars; one submission).

Allele frequency attached by ClinVar (database versions not stated): gnomAD exomes below 0.00001.
gnomAD v4.1: 6 of 1,614,050 alleles (0.00037%); highest among the groups gnomAD compares: Middle Eastern, 0.033%; no homozygotes.

Submission:

GeneDx
Classification: Uncertain significance. Last evaluated: 2019-06-17. Review status: criteria provided, single submitter. Criteria: GeneDx Variant Classification Process June 2021. Collection method: clinical testing. Allele origin: germline. Affected: yes.
Comment: Not observed in large population cohorts (Lek et al., 2016); In silico analysis, which includes protein predictors and evolutionary conservation, supports that this variant does not alter protein structure/function; Has not been previously published as pathogenic or benign to our knowledge